The following is an entry in ClinVar:

NM_004612.4(TGFBR1):c.917C>A (p.Ala306Asp)

Gene: TGFBR1 (transforming growth factor beta receptor 1; plus strand). Cytogenetic location: 9q22.33.
Variant type: single nucleotide variant.
Coding change: c.917C>A on transcript NM_004612.4 (MANE Select); coding-DNA position 917, C replaced by A.
Protein change: p.Ala306Asp; replaces alanine 306 with aspartic acid.
Molecular consequence: missense variant. On other transcripts: non-coding transcript variant (4), intron variant (2).
Genome position (GRCh38, 1-based): chr9:99,142,647, C>A. VCF-style: chr9-99142647-C-A. GRCh37 (hg19) VCF-style: chr9-101904929-C-A.
Other names: c.686C>A, p.Ala229Asp (NM_001130916.3, NM_001407435.1); c.929C>A, p.Ala310Asp (NM_001306210.2); c.722C>A, p.Ala241Asp (NM_001407418.1, NM_001407419.1, NM_001407420.1 and 1 more transcripts); c.710C>A, p.Ala237Asp (NM_001407423.1, NM_001407424.1, NM_001407425.1 and 8 more transcripts); c.671C>A, p.Ala224Asp (NM_001407436.1); c.209C>A, p.Ala70Asp (NM_001407437.1); c.440C>A, p.Ala147Asp (NM_001407438.1); c.818-2085C>A (NM_001407416.1); and 1 more; short protein forms A224D, A229D, A147D, A306D, A310D, A241D, A70D, A237D.
Identifiers: ClinVar variation 3650571 (VCV003650571.2).

ClinVar aggregate classification (germline): Uncertain significance (1 of 4 stars; one submission).

Conditions:
Familial thoracic aortic aneurysm and aortic dissection (TAAD). Also called: Thoracic aortic aneurysms and dissections. Identifiers: Orphanet 91387, MedGen C4707243, MONDO:0019625.

gnomAD v4.1: 1 of 1,614,096 alleles (0.000062%); highest among the groups gnomAD compares: South Asian, 0.0011%; no homozygotes.

Submission:

Labcorp Genetics (formerly Invitae), Labcorp
Classification: Uncertain significance for Familial thoracic aortic aneurysm and aortic dissection. Last evaluated: 2024-04-22. Review status: criteria provided, single submitter. Criteria: Invitae Variant Classification Sherloc (09022015). Collection method: clinical testing. Allele origin: germline.
Comment: This sequence change replaces alanine, which is neutral and non-polar, with aspartic acid, which is acidic and polar, at codon 306 of the TGFBR1 protein (p.Ala306Asp). This variant is not present in population databases (gnomAD no frequency). This variant has not been reported in the literature in individuals affected with TGFBR1-related conditions. Advanced modeling of protein sequence and biophysical properties (such as structural, functional, and spatial information, amino acid conservation, physicochemical variation, residue mobility, and thermodynamic stability) performed at Invitae indicates that this missense variant is expected to disrupt TGFBR1 protein function with a positive predictive value of 80%. In summary, the available evidence is currently insufficient to determine the role of this variant in disease. Therefore, it has been classified as a Variant of Uncertain Significance.